The following is an entry in ClinVar:

NM_015512.5(DNAH1):c.1483_1485del (p.Lys495del)

Gene: DNAH1 (dynein axonemal heavy chain 1; plus strand). Cytogenetic location: 3p21.1.
Variant type: Deletion.
Coding change: c.1483_1485del on transcript NM_015512.5 (MANE Select); coding-DNA positions 1483 to 1485, 3 bases deleted (AAG; older notation c.1483_1485delAAG).
Protein change: p.Lys495del; deletes lysine 495.
Genome position (GRCh38, 1-based): chr3:52,345,533-52,345,535, AAG deleted; deleting any 3 consecutive bases within chr3:52,345,531-52,345,535 gives the same sequence; the c. name uses the placement nearest the transcript's 3' end. VCF-style (leftmost placement, unchanged base first): chr3-52345530-CAGA-C. GRCh37 (hg19) VCF-style: chr3-52379546-CAGA-C.
Other names: short protein forms K495del.
Identifiers: ClinVar variation 4782721 (VCV004782721.1).

ClinVar aggregate classification (germline): Uncertain significance (1 of 4 stars; one submission).

Conditions:
Spermatogenic failure 18. Identifiers: MedGen C4539783, MONDO:0054615, OMIM 617576.
Ciliary dyskinesia, primary, 37 (CILD37). Also called: CILIARY DYSKINESIA, PRIMARY, 37, WITH OR WITHOUT SITUS INVERSUS. Identifiers: MedGen C4539798, MONDO:0033204, OMIM 617577.

Submission:

Labcorp Genetics (formerly Invitae), Labcorp
Classification: Uncertain significance for Ciliary dyskinesia, primary, 37; Spermatogenic failure 18. Last evaluated: 2025-10-15. Review status: criteria provided, single submitter. Criteria: Invitae Variant Classification Sherloc (09022015). Collection method: clinical testing. Allele origin: germline.
Comment: This variant, c.1483_1485del, results in the deletion of 1 amino acid(s) of the DNAH1 protein (p.Lys495del), but otherwise preserves the integrity of the reading frame. This variant is present in population databases (rs757170644, gnomAD 0.01%). This variant has not been reported in the literature in individuals affected with DNAH1-related conditions. Experimental studies and prediction algorithms are not available or were not evaluated, and the functional significance of this variant is currently unknown. In summary, the available evidence is currently insufficient to determine the role of this variant in disease. Therefore, it has been classified as a Variant of Uncertain Significance.